The following is an entry in ClinVar:

NM_003280.3(TNNC1):c.213G>A (p.Thr71=)

Gene: TNNC1 (troponin C1, slow skeletal and cardiac type; minus strand). Cytogenetic location: 3p21.1.
Variant type: single nucleotide variant.
Coding change: c.213G>A on transcript NM_003280.3 (MANE Select); coding-DNA position 213, G replaced by A.
Protein change: p.Thr71=; no amino-acid change (threonine 71 retained).
Molecular consequence: synonymous variant.
Genome position (GRCh38, 1-based): chr3:52,451,848, C>T on the plus strand (G>A on the coding strand, the complement: TNNC1 is on the minus strand). VCF-style: chr3-52451848-C-T. GRCh37 (hg19) VCF-style: chr3-52485864-C-T.
Other names: c.213G>A (LRG_378t1).
Identifiers: ClinVar variation 415847 (VCV000415847.14), dbSNP rs140287760, ClinGen allele CA2438550.

ClinVar aggregate classification (germline): Likely benign. Review status: criteria provided, multiple submitters, no conflicts (2 of 4 stars). 4 submissions from 4 submitters: Likely benign (4). Last evaluated 2025-11-01.

Conditions:
TNNC1-related disorder. Also called: TNNC1-related condition.
Cardiovascular phenotype. Identifiers: MedGen CN230736.
Dilated cardiomyopathy 1Z (CMD1Z). Identifiers: Orphanet 154, MedGen C2678475, MONDO:0012745, OMIM 611879.
Hypertrophic cardiomyopathy 13. Also called: TNNC1-Related Familial Hypertrophic Cardiomyopathy. Identifiers: MedGen C2750472, MONDO:0013195, OMIM 613243.

Allele frequency attached by ClinVar (database versions not stated): TOPMed 0.00006; ESP Exome Variant Server 0.00008.
gnomAD v4.1: 39 of 1,613,924 alleles (0.0024%); highest among the groups gnomAD compares: Admixed American, 0.028%; no homozygotes.

Submissions (4):

PreventionGenetics, part of Exact Sciences
Classification: Likely benign for TNNC1-related condition. Last evaluated: 2025-11-01. Review status: criteria provided, single submitter. Criteria: ACMG Guidelines, 2015. Collection method: clinical testing. Allele origin: germline.
Comment: This variant is classified as likely benign based on ACMG/AMP sequence variant interpretation guidelines (Richards et al. 2015 PMID: 25741868, with internal and published modifications).

Labcorp Genetics (formerly Invitae), Labcorp
Classification: Likely benign for Hypertrophic cardiomyopathy 13; Dilated cardiomyopathy 1Z. Last evaluated: 2025-07-23. Review status: criteria provided, single submitter. Criteria: Invitae Variant Classification Sherloc (09022015). Collection method: clinical testing. Allele origin: germline.

Blueprint Genetics
Classification: Likely benign. Last evaluated: 2024-11-12. Review status: criteria provided, single submitter. Criteria: ACMG Guidelines, 2015. Collection method: clinical testing. Allele origin: germline.

Ambry Genetics
Classification: Likely benign for Cardiovascular phenotype. Last evaluated: 2023-04-17. Review status: criteria provided, single submitter. Criteria: Ambry Variant Classification Scheme 2023. Collection method: clinical testing. Allele origin: germline.